The following is an entry in ClinVar:

NM_015295.3(SMCHD1):c.1788G>A (p.Trp596Ter)

Gene: SMCHD1 (structural maintenance of chromosomes flexible hinge domain containing 1; plus strand). Cytogenetic location: 18p11.32.
Variant type: single nucleotide variant.
Coding change: c.1788G>A on transcript NM_015295.3 (MANE Select); coding-DNA position 1788, G replaced by A.
Protein change: p.Trp596Ter; replaces tryptophan 596 with a stop codon.
Molecular consequence: nonsense.
Genome position (GRCh38, 1-based): chr18:2,703,832, G>A. VCF-style: chr18-2703832-G-A. GRCh37 (hg19) VCF-style: chr18-2703830-G-A.
Other names: short protein forms W596*.
Identifiers: ClinVar variation 3713188 (VCV003713188.2).

ClinVar aggregate classification (germline): Pathogenic (1 of 4 stars; one submission).

Conditions:
Facioscapulohumeral muscular dystrophy 2 (FSHD2). Also called: MUSCULAR DYSTROPHY, FACIOSCAPULOHUMERAL, TYPE 1B; FACIOSCAPULOHUMERAL MUSCULAR DYSTROPHY 2, DIGENIC; FSHD2, DIGENIC. Identifiers: Orphanet 269, MedGen C1834671, MONDO:0008031, OMIM 158901.

Submission:

Labcorp Genetics (formerly Invitae), Labcorp
Classification: Pathogenic for Facioscapulohumeral muscular dystrophy 2. Last evaluated: 2024-09-09. Review status: criteria provided, single submitter. Criteria: Invitae Variant Classification Sherloc (09022015). Collection method: clinical testing. Allele origin: germline.
Comment: This sequence change creates a premature translational stop signal (p.Trp596*) in the SMCHD1 gene. It is expected to result in an absent or disrupted protein product. Loss-of-function variants in SMCHD1 are known to be pathogenic (PMID: 23143600). This variant is not present in population databases (gnomAD no frequency). This variant has not been reported in the literature in individuals affected with SMCHD1-related conditions. For these reasons, this variant has been classified as Pathogenic.

Literature cited by the submitters: PubMed 23143600.